The following is an entry in ClinVar:

NM_030928.4(CDT1):c.1234C>A (p.Pro412Thr)

Gene: CDT1 (chromatin licensing and DNA replication factor 1; plus strand). Cytogenetic location: 16q24.3.
Variant type: single nucleotide variant.
Coding change: c.1234C>A on transcript NM_030928.4 (MANE Select); coding-DNA position 1234, C replaced by A.
Protein change: p.Pro412Thr; replaces proline 412 with threonine.
Molecular consequence: missense variant.
Genome position (GRCh38, 1-based): chr16:88,807,162, C>A. VCF-style: chr16-88807162-C-A. GRCh37 (hg19) VCF-style: chr16-88873570-C-A.
Other names: c.1234C>A (NM_030928.3); short protein forms P412T.
Identifiers: ClinVar variation 1495760 (VCV001495760.10), dbSNP rs770232566, ClinGen allele CA8234066.
Genomic context (GRCh38, chr16:88,807,162, plus strand): 5'-CCCGGGTCTCCCAGGCCAGCACTGCCGGCTACCCCACCAGCCACCCCGCCTGCAGCCTCT[C>A]CCAGTGCTCTGAAGGGGGTGTCCCAGGATCTGCTGGAGCGGGTGAGTCGTCCCCAGTGAT-3'
Protein context (NP_112190.2, residues 402-422): TPPATPPAAS[Pro412Thr]SALKGVSQDL

ClinVar aggregate classification (germline): Conflicting classifications of pathogenicity. Review status: criteria provided, conflicting classifications (1 of 4 stars). 3 submissions from 3 submitters: Uncertain significance (2); Likely benign (1). Last evaluated 2026-02-21.

Conditions:
Meier-Gorlin syndrome 4 (MGORS4). Identifiers: Orphanet 2554, MedGen C3151120, MONDO:0013431, OMIM 613804.
Inborn genetic diseases. Identifiers: MedGen C0950123, MeSH D030342.

Allele frequency attached by ClinVar (database versions not stated): ExAC 0.00004.
gnomAD v4.1: 26 of 1,612,544 alleles (0.0016%); highest among the groups gnomAD compares: South Asian, 0.027%; no homozygotes.

Submissions (3):

Centre for Medical Genetics,  Mumbai
Classification: Likely benign for Meier-Gorlin syndrome 4. Last evaluated: 2026-02-21. Review status: criteria provided, single submitter. Criteria: ACMG Guidelines, 2015. Collection method: provider interpretation. Allele origin: germline. Inheritance: Autosomal recessive inheritance. Affected: no. Observed: 1 homozygote.
Comment: The variant satisfies PM2 criteria; Extremely low frequency in gnomAD population databases. However, the variant satisfies BS2 criteria.

Ambry Genetics
Classification: Uncertain significance for Inborn genetic diseases. Last evaluated: 2025-08-07. Review status: criteria provided, single submitter. Criteria: Ambry Variant Classification Scheme 2023. Collection method: clinical testing. Allele origin: germline.

Labcorp Genetics (formerly Invitae), Labcorp
Classification: Uncertain significance. Last evaluated: 2021-03-24. Review status: criteria provided, single submitter. Criteria: Invitae Variant Classification Sherloc (09022015). Collection method: clinical testing. Allele origin: germline.
Comment: Algorithms developed to predict the effect of missense changes on protein structure and function (SIFT, PolyPhen-2, Align-GVGD) all suggest that this variant is likely to be tolerated, but these predictions have not been confirmed by published functional studies and their clinical significance is uncertain. This sequence change replaces proline with threonine at codon 412 of the CDT1 protein (p.Pro412Thr). The proline residue is moderately conserved and there is a small physicochemical difference between proline and threonine. This variant is present in population databases (rs770232566, ExAC 0.02%). This variant has not been reported in the literature in individuals with CDT1-related conditions. In summary, the available evidence is currently insufficient to determine the role of this variant in disease. Therefore, it has been classified as a Variant of Uncertain Significance.

Literature cited by the submitters: PubMed 21358632 (cited by Centre for Medical Genetics,  Mumbai).